The following is an entry in ClinVar:

NM_002890.3(RASA1):c.100T>C (p.Cys34Arg)

Gene: RASA1 (RAS p21 protein activator 1; plus strand). Cytogenetic location: 5q14.3.
Variant type: single nucleotide variant.
Coding change: c.100T>C on transcript NM_002890.3 (MANE Select); coding-DNA position 100, T replaced by C.
Protein change: p.Cys34Arg; replaces cysteine 34 with arginine.
Molecular consequence: missense variant.
Genome position (GRCh38, 1-based): chr5:87,268,551, T>C. VCF-style: chr5-87268551-T-C. GRCh37 (hg19) VCF-style: chr5-86564368-T-C.
Other names: short protein forms C34R.
Identifiers: ClinVar variation 1503670 (VCV001503670.7), dbSNP rs757010847, ClinGen allele CA3335323.
Genomic context (GRCh38, chr5:87,268,551, plus strand): 5'-GTAACAGCCGGAGCTGGAGGAGGCGGCGCGGCAGCGGGCTCCAGTGCCTATCCCGCAGTG[T>C]GTCGGGTGAAGATACCCGCGGCCCTGCCTGTGGCAGCCGCCCCCTATCCTGGGCTGGTGG-3'
Protein context (NP_002881.1, residues 24-44): AAGSSAYPAV[Cys34Arg]RVKIPAALPV

ClinVar aggregate classification (germline): Uncertain significance. Review status: criteria provided, multiple submitters, no conflicts (2 of 4 stars). 2 submissions from 2 submitters: Uncertain significance (2). Last evaluated 2024-11-30.

Conditions:
Capillary malformation-arteriovenous malformation syndrome. Also called: Capillary malformation-arteriovenous malformation. Identifiers: Orphanet 137667, MedGen C1842180, MONDO:0012016.
Cardiovascular phenotype. Identifiers: MedGen CN230736.

Allele frequency attached by ClinVar (database versions not stated): gnomAD 0.00001; gnomAD exomes 0.00001 and 0.00002; ExAC 0.00002.
gnomAD v4.1: 31 of 1,603,144 alleles (0.0019%); highest among the groups gnomAD compares: Non-Finnish European, 0.0026%; no homozygotes.

Submissions (2):

Labcorp Genetics (formerly Invitae), Labcorp
Classification: Uncertain significance for Capillary malformation-arteriovenous malformation syndrome. Last evaluated: 2024-11-30. Review status: criteria provided, single submitter. Criteria: Invitae Variant Classification Sherloc (09022015). Collection method: clinical testing. Allele origin: germline.
Comment: This sequence change replaces cysteine, which is neutral and slightly polar, with arginine, which is basic and polar, at codon 34 of the RASA1 protein (p.Cys34Arg). This variant is present in population databases (rs757010847, gnomAD 0.002%). This variant has not been reported in the literature in individuals affected with RASA1-related conditions. ClinVar contains an entry for this variant (Variation ID: 1503670). An algorithm developed to predict the effect of missense changes on protein structure and function (PolyPhen-2) suggests that this variant is likely to be tolerated. In summary, the available evidence is currently insufficient to determine the role of this variant in disease. Therefore, it has been classified as a Variant of Uncertain Significance.

Ambry Genetics
Classification: Uncertain significance for Cardiovascular phenotype. Last evaluated: 2024-08-31. Review status: criteria provided, single submitter. Criteria: Ambry Variant Classification Scheme 2023. Collection method: clinical testing. Allele origin: germline.
Comment: The p.C34R variant (also known as c.100T>C), located in coding exon 1 of the RASA1 gene, results from a T to C substitution at nucleotide position 100. The cysteine at codon 34 is replaced by arginine, an amino acid with highly dissimilar properties. This amino acid position is conserved. In addition, this alteration is predicted to be tolerated by in silico analysis. Based on the available evidence, the clinical significance of this variant remains unclear.